The following is an entry in ClinVar:

ClinVar aggregate classification (germline): Uncertain significance (1 of 4 stars; one submission).

Submission:

Labcorp Genetics (formerly Invitae), Labcorp
Classification: Uncertain significance. Last evaluated: 2022-08-19. Review status: criteria provided, single submitter. Criteria: Invitae Variant Classification Sherloc (09022015). Collection method: clinical testing. Allele origin: germline.
Comment: In summary, the available evidence is currently insufficient to determine the role of this variant in disease. Therefore, it has been classified as a Variant of Uncertain Significance. Algorithms developed to predict the effect of missense changes on protein structure and function output the following: SIFT: "Tolerated"; PolyPhen-2: "Benign"; Align-GVGD: "Class C0". The serine amino acid residue is found in multiple mammalian species, which suggests that this missense change does not adversely affect protein function. This variant has not been reported in the literature in individuals affected with IFNAR2-related conditions. This variant is not present in population databases (gnomAD no frequency). This sequence change replaces arginine, which is basic and polar, with serine, which is neutral and polar, at codon 11 of the IFNAR2 protein (p.Arg11Ser).

NM_001289125.3(IFNAR2):c.33A>T (p.Arg11Ser)

Genes: IFNAR2 (interferon alpha and beta receptor subunit 2; plus strand), IFNAR2-IL10RB (IFNAR2-IL10RB readthrough; plus strand). Cytogenetic location: 21q22.11.
Variant type: single nucleotide variant.
Coding change: c.33A>T on transcript NM_001289125.3 (MANE Select); coding-DNA position 33, A replaced by T.
Protein change: p.Arg11Ser; replaces arginine 11 with serine.
Molecular consequence: missense variant.
Genome position (GRCh38, 1-based): chr21:33,241,955, A>T. VCF-style: chr21-33241955-A-T. GRCh37 (hg19) VCF-style: chr21-34614260-A-T.
Other names: c.33A>T, p.Arg11Ser (NM_000874.5, NM_001289126.2, NM_001289128.2 and 4 more transcripts); short protein forms R11S.
Identifiers: ClinVar variation 1716801 (VCV001716801.6), dbSNP rs2516693891, ClinGen allele CA410093781.
Genomic context (GRCh38, chr21:33,241,955, plus strand): 5'-TCAAGAGAAGACTCTAAAAATAGCAAAGATGCTTTTGAGCCAGAATGCCTTCATCTTCAG[A>T]TCACTTAATTTGGTTCTCATGGGTAAGTGCTGCTTTTTATCTTAGCTCTTATAGAAGCAA-3'
Protein context (NP_001276054.1, residues 1-21): MLLSQNAFIF[Arg11Ser]SLNLVLMVYI